The following is an entry in ClinVar:

ClinVar aggregate classification (germline): Benign/Likely benign. Review status: criteria provided, multiple submitters, no conflicts (2 of 4 stars). 4 submissions from 4 submitters: Benign (1); Likely benign (3). Last evaluated 2026-05-01.

Conditions:
MOCOS-related disorder. Also called: MOCOS-related condition.
Xanthinuria type II. Also called: Xanthine dehydrogenase and aldehyde oxidase combined deficiency of; XDH and AOX dual deficiency. Identifiers: Orphanet 3467, Orphanet 93602, MedGen C1863688, MONDO:0011346, OMIM 603592.

Allele frequency attached by ClinVar (database versions not stated): 1000 Genomes Project 0.00120; 1000 Genomes Project 30x 0.00125; TOPMed 0.00475; ESP Exome Variant Server 0.00515; gnomAD 0.00520 and 0.00568; gnomAD exomes 0.00548 and 0.00782; ExAC 0.00596.
gnomAD v4.1: 12,086 of 1,613,498 alleles (0.75%); highest among the groups gnomAD compares: Non-Finnish European, 0.9%; 57 homozygotes.

Submissions (4):

CeGaT Center for Human Genetics Tuebingen
Classification: Likely benign. Last evaluated: 2026-05-01. Review status: criteria provided, single submitter. Criteria: CeGaT Center For Human Genetics Tuebingen Variant Classification Criteria Version 2. Collection method: clinical testing. Allele origin: germline. Affected: yes. Observed: 1 variant allele.
Comment: MOCOS: BP4, BP7, BS2

Labcorp Genetics (formerly Invitae), Labcorp
Classification: Benign for Xanthinuria type II. Last evaluated: 2026-01-15. Review status: criteria provided, single submitter. Criteria: Invitae Variant Classification Sherloc (09022015). Collection method: clinical testing. Allele origin: germline.

Mayo Clinic Laboratories, Mayo Clinic
Classification: Likely benign. Last evaluated: 2024-12-02. Review status: criteria provided, single submitter. Criteria: ACMG Guidelines, 2015. Collection method: clinical testing. Allele origin: germline. Observed: 3 variant alleles.
Comment: BS1, BP4, BP7

PreventionGenetics, part of Exact Sciences
Classification: Likely benign for MOCOS-related condition. Last evaluated: 2024-11-14. Review status: criteria provided, single submitter. Criteria: ACMG Guidelines, 2015. Collection method: clinical testing. Allele origin: germline.
Comment: This variant is classified as likely benign based on ACMG/AMP sequence variant interpretation guidelines (Richards et al. 2015 PMID: 25741868, with internal and published modifications).

NM_017947.4(MOCOS):c.1062G>A (p.Gln354=)

Gene: MOCOS (molybdenum cofactor sulfurase; plus strand). Cytogenetic location: 18q12.2.
Variant type: single nucleotide variant.
Coding change: c.1062G>A on transcript NM_017947.4 (MANE Select); coding-DNA position 1062, G replaced by A.
Protein change: p.Gln354=; no amino-acid change (glutamine 354 retained).
Molecular consequence: synonymous variant.
Genome position (GRCh38, 1-based): chr18:36,205,120, G>A. VCF-style: chr18-36205120-G-A. GRCh37 (hg19) VCF-style: chr18-33785083-G-A.
Other names: p.Gln354=.
Identifiers: ClinVar variation 773339 (VCV000773339.15), dbSNP rs141361512, ClinGen allele CA8940612.